The following is an entry in ClinVar:

NM_052876.4(NACC1):c.336C>T (p.Ile112=)

Gene: NACC1 (nucleus accumbens associated 1; plus strand). Cytogenetic location: 19p13.13.
Variant type: single nucleotide variant.
Coding change: c.336C>T on transcript NM_052876.4 (MANE Select); coding-DNA position 336, C replaced by T.
Protein change: p.Ile112=; no amino-acid change (isoleucine 112 retained).
Molecular consequence: synonymous variant.
Genome position (GRCh38, 1-based): chr19:13,135,543, C>T. VCF-style: chr19-13135543-C-T. GRCh37 (hg19) VCF-style: chr19-13246357-C-T.
Other names: c.336C>T (NM_052876.3).
Identifiers: ClinVar variation 1528027 (VCV001528027.9), dbSNP rs747447662, ClinGen allele CA9238258.

ClinVar aggregate classification (germline): Likely benign. Review status: criteria provided, multiple submitters, no conflicts (2 of 4 stars). 2 submissions from 2 submitters: Likely benign (2). Last evaluated 2026-04-02.

Conditions:
NACC1-related disorder. Also called: NACC1-related condition.

Allele frequency attached by ClinVar (database versions not stated): ExAC 0.00001; gnomAD exomes 0.00001.
gnomAD v4.1: 10 of 1,612,452 alleles (0.00062%); highest among the groups gnomAD compares: East Asian, 0.0022%; no homozygotes.

Submissions (2):

PreventionGenetics, part of Exact Sciences
Classification: Likely benign for NACC1-related condition. Last evaluated: 2026-04-02. Review status: criteria provided, single submitter. Criteria: ACMG Guidelines, 2015. Collection method: clinical testing. Allele origin: germline.
Comment: This variant is classified as likely benign based on ACMG/AMP sequence variant interpretation guidelines (Richards et al. 2015 PMID: 25741868, with internal and published modifications).

Labcorp Genetics (formerly Invitae), Labcorp
Classification: Likely benign. Last evaluated: 2023-06-18. Review status: criteria provided, single submitter. Criteria: Invitae Variant Classification Sherloc (09022015). Collection method: clinical testing. Allele origin: germline.